The following is an entry in ClinVar:

ClinVar aggregate classification (germline): Likely benign (1 of 4 stars; one submission).

Conditions:
TULP3-related condition.

gnomAD v4.1: 40 of 1,613,940 alleles (0.0025%); highest among the groups gnomAD compares: South Asian, 0.0044%; no homozygotes.

Submission:

PreventionGenetics, part of Exact Sciences
Classification: Likely benign for TULP3-related condition. Last evaluated: 2026-06-30. Review status: criteria provided, single submitter. Criteria: ACMG Guidelines, 2015. Collection method: clinical testing. Allele origin: germline.
Comment: This variant is classified as likely benign based on ACMG/AMP sequence variant interpretation guidelines (Richards et al. 2015 PMID: 25741868, with internal and published modifications).

NM_003324.5(TULP3):c.345C>T (p.Thr115=)

Gene: TULP3 (TUB like protein 3; plus strand). Cytogenetic location: 12p13.33.
Variant type: single nucleotide variant.
Coding change: c.345C>T on transcript NM_003324.5 (MANE Select); coding-DNA position 345, C replaced by T.
Protein change: p.Thr115=; no amino-acid change (threonine 115 retained).
Molecular consequence: synonymous variant.
Genome position (GRCh38, 1-based): chr12:2,922,353, C>T. VCF-style: chr12-2922353-C-T. GRCh37 (hg19) VCF-style: chr12-3031519-C-T.
Other names: c.345C>T, p.Thr115= (NM_001160408.2).
Identifiers: ClinVar variation 4988395 (VCV004988395.1).
Genomic context (GRCh38, chr12:2,922,353, plus strand): 5'-AGACGAAGTTCATGCTCCATCAGTAAGCTCCTCTGTTGTGGAAGAAGATGCTGAAAACAC[C>T]GTGGATACTGCTTCCAAGCCAGGACTTCAGGAGCGTCTCCAAAAGCATGGTGAGGACTGG-3'
Protein context (NP_003315.2, residues 105-125): SSVVEEDAEN[Thr115=]VDTASKPGLQ